The following is an entry in ClinVar:

ClinVar aggregate classification (germline): Conflicting classifications of pathogenicity. Review status: criteria provided, conflicting classifications (1 of 4 stars). 4 submissions from 4 submitters: Uncertain significance (3); Likely benign (1). Last evaluated 2026-05-04.

Conditions:
Paediatric disorders.
CHD8-related disorder. Also called: CHD8-related condition; CHD8-related disorders.

Allele frequency attached by ClinVar (database versions not stated): gnomAD exomes 0.00001; ExAC 0.00002; gnomAD 0.00003 and 0.00004; TOPMed 0.00005.
gnomAD v4.1: 42 of 1,613,878 alleles (0.0026%); highest among the groups gnomAD compares: South Asian, 0.0088%; no homozygotes.

Submissions (4):

North West Genomic Laboratory Hub, Manchester University NHS Foundation Trust
Classification: Uncertain significance for Paediatric disorders. Last evaluated: 2026-05-04. Review status: criteria provided, single submitter. Criteria: ACGS Best Practice Guidelines for Variant Classification in Rare Disease 2024. Collection method: clinical testing. Allele origin: germline. Affected: yes.
Comment: BP4_Supp

Labcorp Genetics (formerly Invitae), Labcorp
Classification: Likely benign. Last evaluated: 2025-11-03. Review status: criteria provided, single submitter. Criteria: Invitae Variant Classification Sherloc (09022015). Collection method: clinical testing. Allele origin: germline.

PreventionGenetics, part of Exact Sciences
Classification: Uncertain significance for CHD8-related condition. Last evaluated: 2025-02-18. Review status: criteria provided, single submitter. Criteria: ACMG Guidelines, 2015. Collection method: clinical testing. Allele origin: germline.
Comment: The CHD8 c.6539G>A variant is predicted to result in the amino acid substitution p.Arg2180His. This variant was reported in an individual with intellectual disability and/or autism spectrum disorder/autistic traits. The variant was also reported to be maternally-inherited (Table S2, Carraro et al. 2019. PubMed ID: 31144778). This variant is reported in 0.0033% of alleles in individuals of South Asian descent in gnomAD. At this time, the clinical significance of this variant is uncertain due to the absence of conclusive functional and genetic evidence.

Laboratorio de Genetica e Diagnostico Molecular, Hospital Israelita Albert Einstein
Classification: Uncertain significance. Last evaluated: 2022-04-20. Review status: criteria provided, single submitter. Criteria: ACMG Guidelines, 2015. Collection method: clinical testing. Allele origin: germline. Affected: yes.
Comment: ACMG classification criteria: PM2, BP4

NM_001170629.2(CHD8):c.6539G>A (p.Arg2180His)

Gene: CHD8 (chromodomain helicase DNA binding protein 8; minus strand). Cytogenetic location: 14q11.2.
Variant type: single nucleotide variant.
Coding change: c.6539G>A on transcript NM_001170629.2 (MANE Select); coding-DNA position 6539, G replaced by A.
Protein change: p.Arg2180His; replaces arginine 2180 with histidine.
Molecular consequence: missense variant.
Genome position (GRCh38, 1-based): chr14:21,392,739, C>T on the plus strand (G>A on the coding strand, the complement: CHD8 is on the minus strand). VCF-style: chr14-21392739-C-T. GRCh37 (hg19) VCF-style: chr14-21860898-C-T.
Other names: c.6539G>A (NM_001170629.1); c.5702G>A, p.Arg1901His (NM_020920.4); short protein forms R1901H, R2180H.
Identifiers: ClinVar variation 1690612 (VCV001690612.6), dbSNP rs778904376, ClinGen allele CA7090757.